The following is an entry in ClinVar:

NM_001267550.2(TTN):c.81631G>A (p.Asp27211Asn)

Genes: TTN (titin; minus strand), TTN-AS1 (TTN antisense RNA 1; plus strand). Cytogenetic location: 2q31.2.
Variant type: single nucleotide variant.
Coding change: c.81631G>A on transcript NM_001267550.2 (MANE Select); coding-DNA position 81631, G replaced by A.
Protein change: p.Asp27211Asn; replaces aspartic acid 27211 with asparagine.
Molecular consequence: missense variant.
Genome position (GRCh38, 1-based): chr2:178,564,501, C>T on the plus strand (G>A on the coding strand, the complement: TTN is on the minus strand). VCF-style: chr2-178564501-C-T. GRCh37 (hg19) VCF-style: chr2-179429228-C-T.
Other names: c.76708G>A, p.Asp25570Asn (NM_001256850.1); c.54436G>A, p.Asp18146Asn (NM_003319.4); c.73927G>A, p.Asp24643Asn (NM_133378.4); c.54811G>A, p.Asp18271Asn (NM_133432.3); c.55012G>A, p.Asp18338Asn (NM_133437.4); short protein forms D18146N, D18271N, D18338N, D24643N, D25570N, D27211N.
Identifiers: ClinVar variation 4080952 (VCV004080952.2).

ClinVar aggregate classification (germline): Uncertain significance. Review status: criteria provided, multiple submitters, no conflicts (2 of 4 stars). 2 submissions from 2 submitters: Uncertain significance (2). Last evaluated 2026-09-09.

Conditions:
TTN-related disorder. Also called: TTN-related condition; TTN-related disease; TTN-related disorders.

gnomAD v4.1: 4 of 1,612,302 alleles (0.00025%); highest among the groups gnomAD compares: East Asian, 0.0022%; no homozygotes.

Submissions (2):

PreventionGenetics, part of Exact Sciences
Classification: Uncertain significance for TTN-related condition. Last evaluated: 2026-09-09. Review status: criteria provided, single submitter. Criteria: ACMG Guidelines, 2015. Collection method: clinical testing. Allele origin: germline.
Comment: The TTN c.81631G>A variant is predicted to result in the amino acid substitution p.Asp27211Asn. To our knowledge, this variant has not been reported in the literature. This variant is reported in 0.00091% of alleles in individuals of European (Non-Finnish) descent in gnomAD . At this time, the clinical significance of this variant is uncertain due to the absence of conclusive functional and genetic evidence.

Revvity Omics, Revvity
Classification: Uncertain significance. Last evaluated: 2025-05-30. Review status: criteria provided, single submitter. Criteria: ACMG Guidelines, 2015. Collection method: clinical testing. Allele origin: germline.